The following is an entry in ClinVar:

NM_000059.4(BRCA2):c.7689C>T (p.His2563=)

Gene: BRCA2 (BRCA2 DNA repair associated; plus strand). Cytogenetic location: 13q13.1.
Variant type: single nucleotide variant.
Coding change: c.7689C>T on transcript NM_000059.4 (MANE Select); coding-DNA position 7689, C replaced by T.
Protein change: p.His2563=; no amino-acid change (histidine 2563 retained).
Molecular consequence: synonymous variant.
Genome position (GRCh38, 1-based): chr13:32,357,813, C>T. VCF-style: chr13-32357813-C-T. GRCh37 (hg19) VCF-style: chr13-32931950-C-T.
Identifiers: ClinVar variation 236909 (VCV000236909.15), dbSNP rs878853606, ClinGen allele CA10583135.

ClinVar aggregate classification (germline): Likely benign. Review status: reviewed by expert panel (3 of 4 stars). 3 submissions from 3 submitters: Likely benign (1). 2 of the submissions do not count toward it. Last evaluated 2017-06-29.

Conditions:
Hereditary breast ovarian cancer syndrome. Also called: Hereditary breast and ovarian cancer; Breast and ovarian cancer; BRCA1- and BRCA2-Associated Hereditary Breast and Ovarian Cancer; Hereditary breast and ovarian cancer syndrome; Hereditary breast and ovarian cancer syndrome (HBOC); Hereditary breast and/or ovarian cancer syndrome. Identifiers: Orphanet 145, MedGen C0677776, MeSH D061325, MONDO:0003582. Disease mechanism: loss of function.
Hereditary cancer-predisposing syndrome. Also called: Tumor predisposition; Hereditary Cancer Syndrome; Hereditary neoplastic syndrome; Neoplastic Syndromes, Hereditary. Identifiers: Orphanet 140162, MedGen C0027672, MeSH D009386, MONDO:0015356.
Breast-ovarian cancer, familial, susceptibility to, 2 (BROVCA2). Also called: BRCA2 Hereditary Breast and Ovarian Cancer. Identifiers: Orphanet 145, MedGen C2675520, MONDO:0012933, OMIM 612555. Disease mechanism: loss of function.

Allele frequency attached by ClinVar (database versions not stated): gnomAD exomes below 0.00001 and 0.00001.
gnomAD v4.1: 7 of 1,613,240 alleles (0.00043%); highest among the groups gnomAD compares: Non-Finnish European, 0.00059%; no homozygotes.

Submissions (3):

Evidence-based Network for the Interpretation of Germline Mutant Alleles (ENIGMA)
Classification: Likely benign for Breast-ovarian cancer, familial, susceptibility to, 2. Last evaluated: 2017-06-29. Review status: reviewed by expert panel. Criteria: ENIGMA BRCA1/2 Classification Criteria (2017-06-29). Collection method: curation. Allele origin: germline.
Comment: Synonymous substitution variant, with low bioinformatic likelihood to result in a splicing aberration (Splicing prior probability 0.02).

Labcorp Genetics (formerly Invitae), Labcorp
Classification: Likely benign for Hereditary breast ovarian cancer syndrome. Last evaluated: 2021-05-28. Review status: criteria provided, single submitter. Criteria: Invitae Variant Classification Sherloc (09022015). Collection method: clinical testing. Allele origin: germline. Not counted in ClinVar's aggregate classification.

Ambry Genetics
Classification: Likely benign for Hereditary cancer-predisposing syndrome. Last evaluated: 2018-09-17. Review status: criteria provided, single submitter. Criteria: Ambry Variant Classification Scheme 2023. Collection method: clinical testing. Allele origin: germline. Not counted in ClinVar's aggregate classification.